The following is an entry in ClinVar:

NM_000372.5(TYR):c.1327A>G (p.Lys443Glu)

Gene: TYR (tyrosinase; plus strand). Cytogenetic location: 11q14.3.
Variant type: single nucleotide variant.
Coding change: c.1327A>G on transcript NM_000372.5 (MANE Select); coding-DNA position 1327, A replaced by G.
Protein change: p.Lys443Glu; replaces lysine 443 with glutamic acid.
Molecular consequence: missense variant.
Genome position (GRCh38, 1-based): chr11:89,284,915, A>G. VCF-style: chr11-89284915-A-G. GRCh37 (hg19) VCF-style: chr11-89018083-A-G.
Other names: short protein forms K443E.
Identifiers: ClinVar variation 1359699 (VCV001359699.7), dbSNP rs1180758324, ClinGen allele CA382078112.

ClinVar aggregate classification (germline): Uncertain significance (1 of 4 stars; one submission).

Allele frequency attached by ClinVar (database versions not stated): gnomAD 0.00001; gnomAD exomes 0.00001; TOPMed 0.00001.

Submission:

Labcorp Genetics (formerly Invitae), Labcorp
Classification: Uncertain significance. Last evaluated: 2024-02-24. Review status: criteria provided, single submitter. Criteria: Invitae Variant Classification Sherloc (09022015). Collection method: clinical testing. Allele origin: germline.
Comment: This sequence change replaces lysine, which is basic and polar, with glutamic acid, which is acidic and polar, at codon 443 of the TYR protein (p.Lys443Glu). This variant is present in population databases (no rsID available, gnomAD 0.007%). This variant has not been reported in the literature in individuals affected with TYR-related conditions. ClinVar contains an entry for this variant (Variation ID: 1359699). Advanced modeling of protein sequence and biophysical properties (such as structural, functional, and spatial information, amino acid conservation, physicochemical variation, residue mobility, and thermodynamic stability) performed at Invitae indicates that this missense variant is not expected to disrupt TYR protein function with a negative predictive value of 80%. In summary, the available evidence is currently insufficient to determine the role of this variant in disease. Therefore, it has been classified as a Variant of Uncertain Significance.